The following is an entry in ClinVar:

ClinVar aggregate classification (germline): Benign/Likely benign. Review status: criteria provided, multiple submitters, no conflicts (2 of 4 stars). 2 submissions from 2 submitters: Benign (1); Likely benign (1). Last evaluated 2026-01-10.

Conditions:
Hereditary spastic paraplegia 53. Also called: Spastic paraplegia 53, autosomal recessive. Identifiers: Orphanet 319199, MedGen C3539494, MONDO:0013962, OMIM 614898.

Allele frequency attached by ClinVar (database versions not stated): gnomAD below 0.00001 and 0.00048; TOPMed 0.00002; gnomAD exomes 0.00082 and 0.00168; ExAC 0.00210; 1000 Genomes Project 30x 0.00390; 1000 Genomes Project 0.00419.
gnomAD v4.1: 1,285 of 1,612,356 alleles (0.08%); highest among the groups gnomAD compares: South Asian, 1.3%; 27 homozygotes.

Submissions (2):

Labcorp Genetics (formerly Invitae), Labcorp
Classification: Benign for Hereditary spastic paraplegia 53. Last evaluated: 2026-01-10. Review status: criteria provided, single submitter. Criteria: Invitae Variant Classification Sherloc (09022015). Collection method: clinical testing. Allele origin: germline.

GeneDx
Classification: Likely benign. Last evaluated: 2018-06-16. Review status: criteria provided, single submitter. Criteria: GeneDx Variant Classification (06012015). Collection method: clinical testing. Allele origin: germline. Affected: yes.
Comment: This variant is considered likely benign or benign based on one or more of the following criteria: it is a conservative change, it occurs at a poorly conserved position in the protein, it is predicted to be benign by multiple in silico algorithms, and/or has population frequency not consistent with disease.

NM_152415.3(VPS37A):c.834A>G (p.Glu278=)

Gene: VPS37A (VPS37A subunit of ESCRT-I; plus strand). Cytogenetic location: 8p22.
Variant type: single nucleotide variant.
Coding change: c.834A>G on transcript NM_152415.3 (MANE Select); coding-DNA position 834, A replaced by G.
Protein change: p.Glu278=; no amino-acid change (glutamic acid 278 retained).
Molecular consequence: synonymous variant.
Genome position (GRCh38, 1-based): chr8:17,280,148, A>G. VCF-style: chr8-17280148-A-G. GRCh37 (hg19) VCF-style: chr8-17137657-A-G.
Other names: c.759A>G, p.Glu253= (NM_001145152.2); c.834A>G, p.Glu278= (NM_001363167.1, NM_001363173.2); c.564A>G, p.Glu188= (NM_001363168.1, NM_001363169.1, NM_001363170.1 and 2 more transcripts).
Identifiers: ClinVar variation 540286 (VCV000540286.11), dbSNP rs541623528, ClinGen allele CA4643507.